The following is an entry in ClinVar:

ClinVar aggregate classification (germline): Benign (0 of 4 stars; one submission).

Conditions:
EPPK1-related disorder. Also called: EPPK1-related condition.

Allele frequency attached by ClinVar (database versions not stated): ESP Exome Variant Server 0.00048; 1000 Genomes Project 0.00060; gnomAD 0.00064; gnomAD exomes 0.00065; ExAC 0.00092; TOPMed 0.00077; 1000 Genomes Project 30x 0.00078.

Submission:

PreventionGenetics, part of Exact Sciences
Classification: Benign for EPPK1-related condition. Last evaluated: 2021-05-09. Review status: no assertion criteria provided. Collection method: clinical testing. Allele origin: germline.
Comment: This variant is classified as benign based on ACMG/AMP sequence variant interpretation guidelines (Richards et al. 2015 PMID: 25741868, with internal and published modifications).

NM_031308.4(EPPK1):c.5699C>T (p.Ala1900Val)

Gene: EPPK1 (epiplakin 1; minus strand). Cytogenetic location: 8q24.3.
Variant type: single nucleotide variant.
Coding change: c.5699C>T on transcript NM_031308.4 (MANE Select); coding-DNA position 5699, C replaced by T.
Protein change: p.Ala1900Val; replaces alanine 1900 with valine.
Molecular consequence: missense variant.
Genome position (GRCh38, 1-based): chr8:143,867,555, G>A on the plus strand (C>T on the coding strand, the complement: EPPK1 is on the minus strand). VCF-style: chr8-143867555-G-A. GRCh37 (hg19) VCF-style: chr8-144941723-G-A.
Other names: short protein forms A1900V.
Identifiers: ClinVar variation 3047109 (VCV003047109.2), dbSNP rs200834681, ClinGen allele CA4922062.